The following is an entry in ClinVar:

ClinVar aggregate classification (germline): Uncertain significance. Review status: criteria provided, multiple submitters, no conflicts (2 of 4 stars). 3 submissions from 3 submitters: Uncertain significance (3). Last evaluated 2024-06-13.

Conditions:
Nephrotic syndrome 15. Identifiers: MedGen C4539896, MONDO:0033262, OMIM 617609.

Allele frequency attached by ClinVar (database versions not stated): gnomAD 0.00001; gnomAD exomes 0.00001 and 0.00004; ExAC 0.00002; TOPMed 0.00002.
gnomAD v4.1: 20 of 1,612,798 alleles (0.0012%); highest among the groups gnomAD compares: Admixed American, 0.018%; no homozygotes.

Submissions (3):

Fulgent Genetics
Classification: Uncertain significance for Nephrotic syndrome 15. Last evaluated: 2024-06-13. Review status: criteria provided, single submitter. Criteria: ACMG Guidelines, 2015. Collection method: clinical testing. Allele origin: germline.

Labcorp Genetics (formerly Invitae), Labcorp
Classification: Uncertain significance. Last evaluated: 2022-04-25. Review status: criteria provided, single submitter. Criteria: Invitae Variant Classification Sherloc (09022015). Collection method: clinical testing. Allele origin: germline.
Comment: This sequence change replaces threonine, which is neutral and polar, with methionine, which is neutral and non-polar, at codon 706 of the MAGI2 protein (p.Thr706Met). This variant is present in population databases (rs773722155, gnomAD 0.02%). This variant has not been reported in the literature in individuals affected with MAGI2-related conditions. ClinVar contains an entry for this variant (Variation ID: 625978). Algorithms developed to predict the effect of missense changes on protein structure and function (SIFT, PolyPhen-2, Align-GVGD) all suggest that this variant is likely to be disruptive. In summary, the available evidence is currently insufficient to determine the role of this variant in disease. Therefore, it has been classified as a Variant of Uncertain Significance.

Center for Genomics, Ann and Robert H. Lurie Children's Hospital of Chicago
Classification: Uncertain significance for Nephrotic syndrome 15. Last evaluated: 2021-03-30. Review status: criteria provided, single submitter. Criteria: ACMG Guidelines, 2015. Collection method: clinical testing. Allele origin: germline.
Comment: MAGI2 NM_012301.3 exon 12 p.Thr706Met (c.2117C>T): This variant has not been reported in the literature but is present in 0.01% (6/33906) of Latino alleles in the Genome Aggregation Database. Evolutionary conservation and computational predictive tools suggest that this variant may impact the protein. In summary, data on this variant is insufficient for disease classification. Therefore, the clinical significance of this variant is uncertain.

NM_012301.4(MAGI2):c.2117C>T (p.Thr706Met)

Gene: MAGI2 (membrane associated guanylate kinase, WW and PDZ domain containing 2; minus strand). Cytogenetic location: 7q21.11.
Variant type: single nucleotide variant.
Coding change: c.2117C>T on transcript NM_012301.4 (MANE Select); coding-DNA position 2117, C replaced by T.
Protein change: p.Thr706Met; replaces threonine 706 with methionine.
Molecular consequence: missense variant.
Genome position (GRCh38, 1-based): chr7:78,195,026, G>A on the plus strand (C>T on the coding strand, the complement: MAGI2 is on the minus strand). VCF-style: chr7-78195026-G-A. GRCh37 (hg19) VCF-style: chr7-77824343-G-A.
Other names: c.2117C>T, p.Thr706Met (NM_001301128.2); short protein forms T706M.
Identifiers: ClinVar variation 625978 (VCV000625978.5), dbSNP rs773722155, ClinGen allele CA4313872.